The following is an entry in ClinVar:

ClinVar aggregate classification (germline): Uncertain significance (1 of 4 stars; one submission).

Conditions:
PRKD1-related disorder. Also called: PRKD1-related condition.

Submission:

PreventionGenetics, part of Exact Sciences
Classification: Uncertain significance for PRKD1-related condition. Last evaluated: 2026-09-18. Review status: criteria provided, single submitter. Criteria: ACMG Guidelines, 2015. Collection method: clinical testing. Allele origin: germline.
Comment: The PRKD1 c.1397_1398delCA variant is predicted to result in a frameshift and premature protein termination (p.Thr466Argfs*12). To our knowledge, this variant has not been reported in the literature or in a large population database (gnomAD), indicating this variant is rare; however, this variant is present in 4 heterozygotes in the newest version of the database (v4.1). At this time, the clinical significance of this variant is uncertain due to the absence of conclusive functional and genetic evidence.

NM_002742.3(PRKD1):c.1373_1374del (p.Thr458fs)

Gene: PRKD1 (protein kinase D1; minus strand). Cytogenetic location: 14q12.
Variant type: Microsatellite.
Coding change: c.1373_1374del on transcript NM_002742.3 (MANE Select); coding-DNA positions 1373 to 1374, 2 bases deleted (CA; older notation c.1373_1374delCA).
Protein change: p.Thr458fs; shifts the reading frame from threonine 458.
Molecular consequence: frameshift variant.
Genome position (GRCh38, 1-based): chr14:29,632,887-29,632,888, TG deleted on the plus strand (CA on the coding strand, the reverse complement: PRKD1 is on the minus strand); deleting any 2 consecutive bases within chr14:29,632,887-29,632,891 gives the same sequence; the c. name uses the placement nearest the transcript's 3' end. VCF-style (leftmost placement, unchanged base first): chr14-29632886-CTG-C. GRCh37 (hg19) VCF-style: chr14-30102092-CTG-C.
Other names: c.1397_1398del, p.Thr466fs (NM_001330069.2); c.1109_1110del, p.Thr370fs (NM_001348390.1); short protein forms T370fs, T466fs, T458fs.
Identifiers: ClinVar variation 4979425 (VCV004979425.1).
Genomic context (GRCh38, chr14:29,632,886, plus strand): 5'-GCAATAAGAGGTATGAAACTACAAAGAAAGAGCCCACTCTTACCTTGTAGTACCTGCTTC[CTG>C]TGTCATTCTGAAAGAGGGTAATACATTTGCTATCCAATCTCCAATAGTGCCGTTTCCGCT-3'